The following is an entry in ClinVar:

ClinVar aggregate classification (germline): Likely benign (1 of 4 stars; one submission).

Conditions:
Familial intrahepatic cholestasis. Identifiers: Orphanet 284385, MedGen CN296401, MONDO:0017290.

Submission:

Genomenon, Inc
Classification: Likely benign for Familial intrahepatic cholestasis. Last evaluated: 2026-04-14. Review status: criteria provided, single submitter. Criteria: Genomenon Sequence Variant Interpretation Standards - Updated. Collection method: curation. Allele origin: germline. Affected: no.
Comment: ABCB11 c.936G>A is a synonymous variant that retains Glutamine at residue 312. This variant has been reported in the published literature (PMID:22795478). It is absent or not present at a significant frequency in gnomAD. This synonymous variant is not predicted to impact splicing. In conclusion, we classify ABCB11 p.Gln312= (c.936G>A) as a likely benign variant.

Literature cited by the submitters: PubMed 22795478.

NM_003742.4(ABCB11):c.936G>A (p.Gln312=)

Gene: ABCB11 (ATP binding cassette subfamily B member 11; minus strand). Cytogenetic location: 2q31.1.
Variant type: single nucleotide variant.
Coding change: c.936G>A on transcript NM_003742.4 (MANE Select); coding-DNA position 936, G replaced by A.
Protein change: p.Gln312=; no amino-acid change (glutamine 312 retained).
Molecular consequence: synonymous variant.
Genome position (GRCh38, 1-based): chr2:168,986,257, C>T on the plus strand (G>A on the coding strand, the complement: ABCB11 is on the minus strand). VCF-style: chr2-168986257-C-T. GRCh37 (hg19) VCF-style: chr2-169842767-C-T.
Identifiers: ClinVar variation 4846124 (VCV004846124.1).